The following is an entry in ClinVar:

ClinVar aggregate classification (germline): Uncertain significance (1 of 4 stars; one submission).

Allele frequency attached by ClinVar (database versions not stated): TOPMed below 0.00001.
gnomAD v4.1: 1 of 1,495,716 alleles (0.000067%); no homozygotes.

Submission:

GeneDx
Classification: Uncertain significance. Last evaluated: 2022-08-05. Review status: criteria provided, single submitter. Criteria: GeneDx Variant Classification Process June 2021. Collection method: clinical testing. Allele origin: germline. Affected: yes.
Comment: Not observed at significant frequency in large population cohorts (gnomAD); Has not been previously published as pathogenic or benign to our knowledge

NM_001079802.2(FKTN):c.-6A>G

Gene: FKTN (fukutin; plus strand). Cytogenetic location: 9q31.2.
Variant type: single nucleotide variant.
Coding change: c.-6A>G on transcript NM_001079802.2 (MANE Select); 6 bases upstream of the start codon, A replaced by G.
Molecular consequence: 5 prime UTR variant. On other transcripts: non-coding transcript variant (2).
Genome position (GRCh38, 1-based): chr9:105,575,027, A>G. VCF-style: chr9-105575027-A-G. GRCh37 (hg19) VCF-style: chr9-108337308-A-G.
Other names: c.-6A>G (NM_001198963.2, NM_001351496.2, NM_001351498.2 and 1 more transcripts); c.-173A>G (NM_001351497.2); c.-520A>G (NM_001351499.2, NM_001351500.2, NM_001351501.2 and 1 more transcripts).
Identifiers: ClinVar variation 2428950 (VCV002428950.3), dbSNP rs193206252, ClinGen allele CA1870261135.
Genomic context (GRCh38, chr9:105,575,027, plus strand): 5'-CAAATCCAAAAAGATGAAAACGACTGAGATACTTTCAAAAGACAACCAAGTGAGCAGCAC[A>G]GACTAATGAGTAGAATCAATAAGAACGTGGTTTTGGCCCTTTTAACGCTGACAAGTTCTG-3'